The following is an entry in ClinVar:

NM_033343.4(LHX4):c.652G>A (p.Asp218Asn)

Genes: ACBD6 (acyl-CoA binding domain containing 6; minus strand), LHX4 (LIM homeobox 4; plus strand), LHX4-AS1 (LHX4 antisense RNA 1; minus strand). Cytogenetic location: 1q25.2.
Variant type: single nucleotide variant.
Coding change: c.652G>A on transcript NM_033343.4 (MANE Select); coding-DNA position 652, G replaced by A.
Protein change: p.Asp218Asn; replaces aspartic acid 218 with asparagine.
Molecular consequence: missense variant. On other transcripts: non-coding transcript variant (1).
Genome position (GRCh38, 1-based): chr1:180,271,880, G>A. VCF-style: chr1-180271880-G-A. GRCh37 (hg19) VCF-style: chr1-180241015-G-A.
Other names: short protein forms D218N.
Identifiers: ClinVar variation 1308386 (VCV001308386.2), dbSNP rs761455183, ClinGen allele CA1271964.
Genomic context (GRCh38, chr1:180,271,880, plus strand): 5'-GTGCTTGTGTGGCAGGTTTGGTTTCAGAACAGAAGGGCCAAAGAGAAACGCCTGAAGAAG[G>A]ATGCAGGGCGGCACCGCTGGGGGCAGTTCTATAAGAGCGTCAAGAGGAGCCGGGGCAGCA-3'
Protein context (NP_203129.1, residues 208-228): RRAKEKRLKK[Asp218Asn]AGRHRWGQFY

ClinVar aggregate classification (germline): Uncertain significance (1 of 4 stars; one submission).

Allele frequency attached by ClinVar (database versions not stated): gnomAD exomes 0.00001 and 0.00002; ExAC 0.00002.
gnomAD v4.1: 17 of 1,613,740 alleles (0.0011%); highest among the groups gnomAD compares: Admixed American, 0.01%; no homozygotes.

Submission:

GeneDx
Classification: Uncertain significance. Last evaluated: 2019-04-05. Review status: criteria provided, single submitter. Criteria: GeneDx Variant Classification Process June 2021. Collection method: clinical testing. Allele origin: germline. Affected: yes.
Comment: In silico analysis, which includes protein predictors and evolutionary conservation, supports a deleterious effect; Has not been previously published as pathogenic or benign to our knowledge